The following is an entry in ClinVar:

NM_007194.4(CHEK2):c.981T>G (p.Tyr327Ter)

Gene: CHEK2 (checkpoint kinase 2; minus strand). Cytogenetic location: 22q12.1.
Variant type: single nucleotide variant.
Coding change: c.981T>G on transcript NM_007194.4 (MANE Select); coding-DNA position 981, T replaced by G.
Protein change: p.Tyr327Ter; replaces tyrosine 327 with a stop codon.
Molecular consequence: nonsense.
Genome position (GRCh38, 1-based): chr22:28,699,865, A>C on the plus strand (T>G on the coding strand, the complement: CHEK2 is on the minus strand). VCF-style: chr22-28699865-A-C. GRCh37 (hg19) VCF-style: chr22-29095853-A-C.
Other names: c.1110T>G, p.Tyr370Ter (NM_001005735.3); c.318T>G, p.Tyr106Ter (NM_001257387.3); c.780T>G, p.Tyr260Ter (NM_001349956.3); c.981T>G, p.Tyr327Ter (NM_145862.3); short protein forms Y106*, Y260*, Y327*, Y370*.
Identifiers: ClinVar variation 3727381 (VCV003727381.2).
Genomic context (GRCh38, chr22:28,699,865, plus strand): 5'-GCAGCTGTCAAAAGAATTGAGGGCTTCTTTTACCTGCACAGCCAAGAGCATCTGGTAAAA[A>C]TAGAGCTTGCAGGTAGCTTCTTTCAGGCGTTTATTCCCCACCACTTTGTCAAACAGCTCT-3'

ClinVar aggregate classification (germline): Pathogenic (1 of 4 stars; one submission).

Conditions:
Familial cancer of breast. Also called: Hereditary breast cancer; BREAST CANCER, FAMILIAL; hereditary breast carcinoma. Identifiers: Orphanet 227535, MedGen C0346153, MONDO:0016419, OMIM 114480. Disease mechanism: loss of function.

Submission:

Labcorp Genetics (formerly Invitae), Labcorp
Classification: Pathogenic for Familial cancer of breast. Last evaluated: 2025-08-10. Review status: criteria provided, single submitter. Criteria: Invitae Variant Classification Sherloc (09022015). Collection method: clinical testing. Allele origin: germline.
Comment: This sequence change creates a premature translational stop signal (p.Tyr327*) in the CHEK2 gene. It is expected to result in an absent or disrupted protein product. Loss-of-function variants in CHEK2 are known to be pathogenic (PMID: 21876083, 24713400). This variant is not present in population databases (gnomAD no frequency). This variant has not been reported in the literature in individuals affected with CHEK2-related conditions. ClinVar contains an entry for this variant (Variation ID: 3727381). For these reasons, this variant has been classified as Pathogenic.

Literature cited by the submitters: PubMed 21876083; PubMed 24713400.